The following is an entry in ClinVar:

ClinVar aggregate classification (germline): Uncertain significance (1 of 4 stars; one submission).

Conditions:
Combined immunodeficiency due to DOCK8 deficiency (HIES2). Also called: HYPER-IgE RECURRENT INFECTION SYNDROME 2, AUTOSOMAL RECESSIVE; HYPER-IgE SYNDROME 2, AUTOSOMAL RECESSIVE, WITH RECURRENT INFECTIONS; HIES autosomal recessive; DOCK8 Deficiency; Hyper-IgE recurrent infection syndrome, autosomal recessive. Identifiers: Orphanet 217390, MedGen C4722305, MONDO:0009478, OMIM 243700.

Allele frequency attached by ClinVar (database versions not stated): gnomAD exomes below 0.00001; ExAC 0.00001.
gnomAD v4.1: 4 of 1,614,178 alleles (0.00025%); highest among the groups gnomAD compares: Non-Finnish European, 0.00034%; no homozygotes.

Submission:

Labcorp Genetics (formerly Invitae), Labcorp
Classification: Uncertain significance for Combined immunodeficiency due to DOCK8 deficiency. Last evaluated: 2024-10-24. Review status: criteria provided, single submitter. Criteria: Invitae Variant Classification Sherloc (09022015). Collection method: clinical testing. Allele origin: germline.
Comment: This sequence change replaces threonine, which is neutral and polar, with alanine, which is neutral and non-polar, at codon 640 of the DOCK8 protein (p.Thr640Ala). This variant is present in population databases (rs770303214, gnomAD 0.0009%). This variant has not been reported in the literature in individuals affected with DOCK8-related conditions. ClinVar contains an entry for this variant (Variation ID: 858152). Invitae Evidence Modeling of protein sequence and biophysical properties (such as structural, functional, and spatial information, amino acid conservation, physicochemical variation, residue mobility, and thermodynamic stability) indicates that this missense variant is expected to disrupt DOCK8 protein function with a positive predictive value of 80%. In summary, the available evidence is currently insufficient to determine the role of this variant in disease. Therefore, it has been classified as a Variant of Uncertain Significance.

NM_203447.4(DOCK8):c.1918A>G (p.Thr640Ala)

Gene: DOCK8 (dedicator of cytokinesis 8; plus strand). Cytogenetic location: 9p24.3.
Variant type: single nucleotide variant.
Coding change: c.1918A>G on transcript NM_203447.4 (MANE Select); coding-DNA position 1918, A replaced by G.
Protein change: p.Thr640Ala; replaces threonine 640 with alanine.
Molecular consequence: missense variant.
Genome position (GRCh38, 1-based): chr9:371,477, A>G. VCF-style: chr9-371477-A-G. GRCh37 (hg19) VCF-style: chr9-371477-A-G.
Other names: c.1714A>G, p.Thr572Ala (NM_001190458.2, NM_001193536.2); short protein forms T640A, T572A.
Identifiers: ClinVar variation 858152 (VCV000858152.9), dbSNP rs770303214, ClinGen allele CA4958006.